The following is an entry in ClinVar:

ClinVar aggregate classification (germline): Likely benign (1 of 4 stars; one submission).

Allele frequency attached by ClinVar (database versions not stated): 1000 Genomes Project 30x 0.00031.

Submission:

CeGaT Center for Human Genetics Tuebingen
Classification: Likely benign. Last evaluated: 2025-12-01. Review status: criteria provided, single submitter. Criteria: CeGaT Center For Human Genetics Tuebingen Variant Classification Criteria Version 2. Collection method: clinical testing. Allele origin: germline. Affected: yes. Observed: 5 variant alleles.
Comment: SPRR3: BP4, BP7

NM_001097589.2(SPRR3):c.267C>T (p.Gly89=)

Gene: SPRR3 (small proline rich protein 3; plus strand). Cytogenetic location: 1q21.3.
Variant type: single nucleotide variant.
Coding change: c.267C>T on transcript NM_001097589.2 (MANE Select); coding-DNA position 267, C replaced by T.
Protein change: p.Gly89=; no amino-acid change (glycine 89 retained).
Molecular consequence: synonymous variant.
Genome position (GRCh38, 1-based): chr1:153,003,287, C>T. VCF-style: chr1-153003287-C-T. GRCh37 (hg19) VCF-style: chr1-152975763-C-T.
Other names: c.267C>T, p.Gly89= (NM_005416.3).
Identifiers: ClinVar variation 2639346 (VCV002639346.24), dbSNP rs1977734, ClinGen allele CA1113420.